The following is an entry in ClinVar:

NM_033109.5(PNPT1):c.1589T>G (p.Leu530Arg)

Gene: PNPT1 (polyribonucleotide nucleotidyltransferase 1; minus strand). Cytogenetic location: 2p16.1.
Variant type: single nucleotide variant.
Coding change: c.1589T>G on transcript NM_033109.5 (MANE Select); coding-DNA position 1589, T replaced by G.
Protein change: p.Leu530Arg; replaces leucine 530 with arginine.
Molecular consequence: missense variant.
Genome position (GRCh38, 1-based): chr2:55,647,360, A>C on the plus strand (T>G on the coding strand, the complement: PNPT1 is on the minus strand). VCF-style: chr2-55647360-A-C. GRCh37 (hg19) VCF-style: chr2-55874495-A-C.
Other names: short protein forms L530R.
Identifiers: ClinVar variation 1449229 (VCV001449229.8), dbSNP rs1347016520, ClinGen allele CA346925877.

ClinVar aggregate classification (germline): Uncertain significance (1 of 4 stars; one submission).

Allele frequency attached by ClinVar (database versions not stated): gnomAD exomes below 0.00001.
gnomAD v4.1: 1 of 1,606,268 alleles (0.000062%); highest among the groups gnomAD compares: Non-Finnish European, 0.000085%; no homozygotes.

Submission:

Labcorp Genetics (formerly Invitae), Labcorp
Classification: Uncertain significance. Last evaluated: 2021-05-12. Review status: criteria provided, single submitter. Criteria: Invitae Variant Classification Sherloc (09022015). Collection method: clinical testing. Allele origin: germline.
Comment: In summary, the available evidence is currently insufficient to determine the role of this variant in disease. Therefore, it has been classified as a Variant of Uncertain Significance. This sequence change replaces leucine with arginine at codon 530 of the PNPT1 protein (p.Leu530Arg). The leucine residue is highly conserved and there is a moderate physicochemical difference between leucine and arginine. This variant is not present in population databases (ExAC no frequency). This variant has not been reported in the literature in individuals with PNPT1-related conditions. Advanced modeling of protein sequence and biophysical properties (such as structural, functional, and spatial information, amino acid conservation, physicochemical variation, residue mobility, and thermodynamic stability) performed at Invitae indicates that this missense variant is expected to disrupt PNPT1 protein function.